The following is an entry in ClinVar:

ClinVar aggregate classification (germline): Benign/Likely benign. Review status: criteria provided, multiple submitters, no conflicts (2 of 4 stars). 5 submissions from 5 submitters: Benign (2); Likely benign (2). 1 of the submissions does not count toward it. Last evaluated 2025-07-14.

Conditions:
MASP1-related disorder. Also called: MASP1-related condition.
3MC syndrome 1. Also called: MICHELS SYNDROME; OCULOPALATOSKELETAL SYNDROME; CRANIOSYNOSTOSIS WITH LID ANOMALIES. Identifiers: Orphanet 293843, MedGen C0796059, MONDO:0009770, OMIM 257920.

Allele frequency attached by ClinVar (database versions not stated): gnomAD exomes 0.00039 and 0.00011; 1000 Genomes Project 30x 0.00094; 1000 Genomes Project 0.00100; gnomAD 0.00018 and 0.00019; TOPMed 0.00019; ESP Exome Variant Server 0.00023; ExAC 0.00035.
gnomAD v4.1: 198 of 1,614,196 alleles (0.012%); highest among the groups gnomAD compares: East Asian, 0.17%; 1 homozygote.

Submissions (5):

Labcorp Genetics (formerly Invitae), Labcorp
Classification: Benign for 3MC syndrome 1. Last evaluated: 2025-07-14. Review status: criteria provided, single submitter. Criteria: Invitae Variant Classification Sherloc (09022015). Collection method: clinical testing. Allele origin: germline.

Blueprint Genetics
Classification: Likely benign. Last evaluated: 2024-10-14. Review status: criteria provided, single submitter. Criteria: ACMG Guidelines, 2015. Collection method: clinical testing. Allele origin: germline.

CeGaT Center for Human Genetics Tuebingen
Classification: Likely benign. Last evaluated: 2022-07-01. Review status: criteria provided, single submitter. Criteria: CeGaT Center For Human Genetics Tuebingen Variant Classification Criteria Version 2. Collection method: clinical testing. Allele origin: germline. Affected: yes. Observed: 1 variant allele.
Comment: MASP1: BP4, BP7

Breakthrough Genomics
Classification: Benign. Review status: criteria provided, single submitter. Criteria: ACMG Guidelines, 2015. Collection method: not provided. Allele origin: germline. Inheritance: Autosomal recessive inheritance. Affected: yes.

PreventionGenetics, part of Exact Sciences
Classification: Likely benign for MASP1-related condition. Last evaluated: 2020-06-02. Review status: no assertion criteria provided. Collection method: clinical testing. Allele origin: germline. Not counted in ClinVar's aggregate classification.
Comment: This variant is classified as likely benign based on ACMG/AMP sequence variant interpretation guidelines (Richards et al. 2015 PMID: 25741868, with internal and published modifications).

NM_139125.4(MASP1):c.1467G>A (p.Ala489=)

Gene: MASP1 (MBL associated serine protease 1; minus strand). Cytogenetic location: 3q27.3.
Variant type: single nucleotide variant.
Coding change: c.1467G>A on transcript NM_139125.4 (MANE Select); coding-DNA position 1467, G replaced by A.
Protein change: p.Ala489=; no amino-acid change (alanine 489 retained).
Molecular consequence: synonymous variant. On other transcripts: non-coding transcript variant (1), intron variant (1).
Genome position (GRCh38, 1-based): chr3:187,236,404, C>T on the plus strand (G>A on the coding strand, the complement: MASP1 is on the minus strand). VCF-style: chr3-187236404-C-T. GRCh37 (hg19) VCF-style: chr3-186954192-C-T.
Other names: c.1303+5077G>A (NM_001879.6).
Identifiers: ClinVar variation 702778 (VCV000702778.35), dbSNP rs149695036, ClinGen allele CA2749253.